The following is an entry in ClinVar:

ClinVar aggregate classification (germline): Uncertain significance (1 of 4 stars; one submission).

Conditions:
Severe combined immunodeficiency due to DNA-PKcs deficiency. Also called: IMMUNODEFICIENCY 26 WITH NEUROLOGIC ABNORMALITIES; Immunodeficiency 26 with or without neurologic abnormalities. Identifiers: Orphanet 317425, MedGen C4014833, MONDO:0014423, OMIM 615966.

Allele frequency attached by ClinVar (database versions not stated): gnomAD exomes below 0.00001; gnomAD 0.00001; TOPMed 0.00001.
gnomAD v4.1: 2 of 1,613,906 alleles (0.00012%); highest among the groups gnomAD compares: African/African-American, 0.0027%; no homozygotes.

Submission:

Labcorp Genetics (formerly Invitae), Labcorp
Classification: Uncertain significance for Severe combined immunodeficiency due to DNA-PKcs deficiency. Last evaluated: 2021-11-26. Review status: criteria provided, single submitter. Criteria: Invitae Variant Classification Sherloc (09022015). Collection method: clinical testing. Allele origin: germline.
Comment: In summary, the available evidence is currently insufficient to determine the role of this variant in disease. Therefore, it has been classified as a Variant of Uncertain Significance. This sequence change replaces glutamine, which is neutral and polar, with arginine, which is basic and polar, at codon 1603 of the PRKDC protein (p.Gln1603Arg). This variant is present in population databases (no rsID available, gnomAD 0.01%). This variant has not been reported in the literature in individuals affected with PRKDC-related conditions. Experimental studies and prediction algorithms are not available or were not evaluated, and the functional significance of this variant is currently unknown.

NM_006904.7(PRKDC):c.4808A>G (p.Gln1603Arg)

Gene: PRKDC (protein kinase, DNA-activated, catalytic subunit; minus strand). Cytogenetic location: 8q11.21.
Variant type: single nucleotide variant.
Coding change: c.4808A>G on transcript NM_006904.7 (MANE Select); coding-DNA position 4808, A replaced by G.
Protein change: p.Gln1603Arg; replaces glutamine 1603 with arginine.
Molecular consequence: missense variant.
Genome position (GRCh38, 1-based): chr8:47,882,066, T>C on the plus strand (A>G on the coding strand, the complement: PRKDC is on the minus strand). VCF-style: chr8-47882066-T-C. GRCh37 (hg19) VCF-style: chr8-48794627-T-C.
Other names: c.4808A>G, p.Gln1603Arg (NM_001081640.2); short protein forms Q1603R.
Identifiers: ClinVar variation 2181149 (VCV002181149.4), dbSNP rs1471809117, ClinGen allele CA371142167.